The following is an entry in ClinVar:

NM_005458.8(GABBR2):c.1660A>G (p.Thr554Ala)

Gene: GABBR2 (gamma-aminobutyric acid type B receptor subunit 2; minus strand). Cytogenetic location: 9q22.33.
Variant type: single nucleotide variant.
Coding change: c.1660A>G on transcript NM_005458.8 (MANE Select); coding-DNA position 1660, A replaced by G.
Protein change: p.Thr554Ala; replaces threonine 554 with alanine.
Molecular consequence: missense variant.
Genome position (GRCh38, 1-based): chr9:98,385,642, T>C on the plus strand (A>G on the coding strand, the complement: GABBR2 is on the minus strand). VCF-style: chr9-98385642-T-C. GRCh37 (hg19) VCF-style: chr9-101147924-T-C.
Other names: short protein forms T554A.
Identifiers: ClinVar variation 1387072 (VCV001387072.6), dbSNP rs990511532, ClinGen allele CA196794564.
Genomic context (GRCh38, chr9:98,385,642, plus strand): 5'-CTGAGGTCACCAAGGAAACTTTCTATCATATACCACTGGCTTATGCAGAATGACTTACGG[T>C]GCAAAGTGTTTCAAAGGTCTTTTCAGAGACAAAGGATCCATCAAGGCCAAAGAGAAATAT-3'
Protein context (NP_005449.5, residues 544-564): VSEKTFETLC[Thr554Ala]VRTWILTVGY

ClinVar aggregate classification (germline): Uncertain significance (1 of 4 stars; one submission).

Conditions:
Epileptic encephalopathy. Identifiers: MedGen C0543888, HP:0200134.

Allele frequency attached by ClinVar (database versions not stated): gnomAD exomes below 0.00001.
gnomAD v4.1: 1 of 1,613,388 alleles (0.000062%); highest among the groups gnomAD compares: Non-Finnish European, 0.000085%; no homozygotes.

Submission:

Labcorp Genetics (formerly Invitae), Labcorp
Classification: Uncertain significance for Epileptic encephalopathy. Last evaluated: 2023-05-30. Review status: criteria provided, single submitter. Criteria: Invitae Variant Classification Sherloc (09022015). Collection method: clinical testing. Allele origin: germline.
Comment: An algorithm developed to predict the effect of missense changes on protein structure and function (PolyPhen-2) suggests that this variant is likely to be disruptive. In summary, the available evidence is currently insufficient to determine the role of this variant in disease. Therefore, it has been classified as a Variant of Uncertain Significance. ClinVar contains an entry for this variant (Variation ID: 1387072). This variant has not been reported in the literature in individuals affected with GABBR2-related conditions. This variant is not present in population databases (gnomAD no frequency). This sequence change replaces threonine, which is neutral and polar, with alanine, which is neutral and non-polar, at codon 554 of the GABBR2 protein (p.Thr554Ala).